The following is an entry in ClinVar:

NM_001372076.1(PAX9):c.40G>C (p.Val14Leu)

Gene: PAX9 (paired box 9; plus strand). Cytogenetic location: 14q13.3.
Variant type: single nucleotide variant.
Coding change: c.40G>C on transcript NM_001372076.1 (MANE Select); coding-DNA position 40, G replaced by C.
Protein change: p.Val14Leu; replaces valine 14 with leucine.
Molecular consequence: missense variant.
Genome position (GRCh38, 1-based): chr14:36,662,932, G>C. VCF-style: chr14-36662932-G-C. GRCh37 (hg19) VCF-style: chr14-37132137-G-C.
Other names: c.40G>C, p.Val14Leu (NM_006194.4); short protein forms V14L.
Identifiers: ClinVar variation 3705370 (VCV003705370.2).

ClinVar aggregate classification (germline): Uncertain significance (1 of 4 stars; one submission).

Conditions:
Hypodontia. Also called: Partial congenital absence of teeth; TOOTH AGENESIS, FAMILIAL; Tooth agenesis, selective. Identifiers: Orphanet 99798, MedGen C0020608, MONDO:0005486, HP:0000668. Disease mechanism: loss of function.

Submission:

Labcorp Genetics (formerly Invitae), Labcorp
Classification: Uncertain significance for Hypodontia. Last evaluated: 2024-12-05. Review status: criteria provided, single submitter. Criteria: Invitae Variant Classification Sherloc (09022015). Collection method: clinical testing. Allele origin: germline.
Comment: This sequence change replaces valine, which is neutral and non-polar, with leucine, which is neutral and non-polar, at codon 14 of the PAX9 protein (p.Val14Leu). This variant is not present in population databases (gnomAD no frequency). This variant has not been reported in the literature in individuals affected with PAX9-related conditions. Invitae Evidence Modeling of protein sequence and biophysical properties (such as structural, functional, and spatial information, amino acid conservation, physicochemical variation, residue mobility, and thermodynamic stability) indicates that this missense variant is not expected to disrupt PAX9 protein function with a negative predictive value of 80%. In summary, the available evidence is currently insufficient to determine the role of this variant in disease. Therefore, it has been classified as a Variant of Uncertain Significance.